The following is an entry in ClinVar:

ClinVar aggregate classification (germline): Uncertain significance (1 of 4 stars; one submission).

Allele frequency attached by ClinVar (database versions not stated): gnomAD exomes below 0.00001.
gnomAD v4.1: 2 of 1,612,586 alleles (0.00012%); highest among the groups gnomAD compares: Non-Finnish European, 0.00017%; no homozygotes.

Submission:

Labcorp Genetics (formerly Invitae), Labcorp
Classification: Uncertain significance. Last evaluated: 2024-10-16. Review status: criteria provided, single submitter. Criteria: Invitae Variant Classification Sherloc (09022015). Collection method: clinical testing. Allele origin: germline.
Comment: This sequence change replaces lysine, which is basic and polar, with arginine, which is basic and polar, at codon 1172 of the TOP2B protein (p.Lys1172Arg). This variant is present in population databases (no rsID available, gnomAD 0.0009%). This variant has not been reported in the literature in individuals affected with TOP2B-related conditions. ClinVar contains an entry for this variant (Variation ID: 1943794). An algorithm developed to predict the effect of missense changes on protein structure and function (PolyPhen-2) suggests that this variant is likely to be tolerated. In summary, the available evidence is currently insufficient to determine the role of this variant in disease. Therefore, it has been classified as a Variant of Uncertain Significance.

NM_001330700.2(TOP2B):c.3530A>G (p.Lys1177Arg)

Gene: TOP2B (DNA topoisomerase II beta; minus strand). Cytogenetic location: 3p24.2.
Variant type: single nucleotide variant.
Coding change: c.3530A>G on transcript NM_001330700.2 (MANE Select); coding-DNA position 3530, A replaced by G.
Protein change: p.Lys1177Arg; replaces lysine 1177 with arginine.
Molecular consequence: missense variant.
Genome position (GRCh38, 1-based): chr3:25,615,266, T>C on the plus strand (A>G on the coding strand, the complement: TOP2B is on the minus strand). VCF-style: chr3-25615266-T-C. GRCh37 (hg19) VCF-style: chr3-25656757-T-C.
Other names: c.3515A>G, p.Lys1172Arg (NM_001068.3); short protein forms K1177R, K1172R.
Identifiers: ClinVar variation 1943794 (VCV001943794.5), dbSNP rs1381669519, ClinGen allele CA351895584.